The following is an entry in ClinVar:

NM_001023.4(RPS20):c.-3G>T

Gene: RPS20 (ribosomal protein S20; minus strand). Cytogenetic location: 8q12.1.
Variant type: single nucleotide variant.
Coding change: c.-3G>T on transcript NM_001023.4 (MANE Select); 3 bases upstream of the start codon, G replaced by T.
Molecular consequence: 5 prime UTR variant.
Genome position (GRCh38, 1-based): chr8:56,074,386, C>A on the plus strand (G>T on the coding strand, the complement: RPS20 is on the minus strand). VCF-style: chr8-56074386-C-A. GRCh37 (hg19) VCF-style: chr8-56986945-C-A.
Other names: c.-3G>T (NM_001023.3, NM_001146227.3).
Identifiers: ClinVar variation 2692143 (VCV002692143.3), dbSNP rs1487415974, ClinGen allele CA581957292.

ClinVar aggregate classification (germline): Uncertain significance. Review status: criteria provided, multiple submitters, no conflicts (2 of 4 stars). 2 submissions from 2 submitters: Uncertain significance (2). Last evaluated 2025-09-17.

Allele frequency attached by ClinVar (database versions not stated): gnomAD 0.00001.
gnomAD v4.1: 5 of 1,560,324 alleles (0.00032%); highest among the groups gnomAD compares: Non-Finnish European, 0.00043%; no homozygotes.

Submissions (2):

Ambry Genetics
Classification: Uncertain significance. Last evaluated: 2025-09-17. Review status: criteria provided, single submitter. Criteria: Ambry Variant Classification Scheme 2023. Collection method: clinical testing. Allele origin: germline.
Comment: The c.-3G>T variant is located in the 5' untranslated region (5&rsquo; UTR) of the RPS20 gene. This variant results from a G to T substitution 3 bases upstream from the first translated codon. This nucleotide position is highly conserved in available vertebrate species. Based on the available evidence, the clinical significance of this variant remains unclear.

Center for Genomic Medicine, Rigshospitalet, Copenhagen University Hospital
Classification: Uncertain significance. Last evaluated: 2025-03-04. Review status: criteria provided, single submitter. Criteria: ACMG Guidelines, 2015. Collection method: clinical testing. Allele origin: germline.